The following is an entry in ClinVar:

ClinVar aggregate classification (germline): Conflicting classifications of pathogenicity. Review status: criteria provided, conflicting classifications (1 of 4 stars). 6 submissions from 6 submitters: Uncertain significance (2); Likely benign (3). 1 of the submissions does not count toward it. Last evaluated 2026-01-20.

Conditions:
Charcot-Marie-Tooth disease axonal type 2V. Also called: CHARCOT-MARIE-TOOTH NEUROPATHY, TYPE 2V; CHARCOT-MARIE-TOOTH DISEASE, AXONAL, AUTOSOMAL DOMINANT, TYPE 2V. Identifiers: Orphanet 447964, MedGen C5569050, MONDO:0014665, OMIM 616491.
Mucopolysaccharidosis, MPS-III-B (MPS3B). Also called: MPS III B; N-ACETYL-ALPHA-D-GLUCOSAMINIDASE DEFICIENCY; NAGLU DEFICIENCY; SANFILIPPO SYNDROME B; MUCOPOLYSACCHARIDOSIS, TYPE IIIB; Mucopolysaccharidosis type IIIB (Sanfilippo B). Identifiers: Orphanet 79270, MedGen C0086648, MONDO:0009656, OMIM 252920.
NAGLU-related disorder. Also called: NAGLU-related condition.

Submissions (6):

Labcorp Genetics (formerly Invitae), Labcorp
Classification: Likely benign for Charcot-Marie-Tooth disease axonal type 2V; Mucopolysaccharidosis, MPS-III-B. Last evaluated: 2026-01-20. Review status: criteria provided, single submitter. Criteria: Invitae Variant Classification Sherloc (09022015). Collection method: clinical testing. Allele origin: germline.

Blueprint Genetics
Classification: Likely benign. Last evaluated: 2024-02-12. Review status: criteria provided, single submitter. Criteria: ACMG Guidelines, 2015. Collection method: clinical testing. Allele origin: germline.

Women's Health and Genetics/Laboratory Corporation of America, LabCorp
Classification: Likely benign. Last evaluated: 2022-01-31. Review status: criteria provided, single submitter. Criteria: LabCorp Variant Classification Summary - May 2015. Collection method: clinical testing. Allele origin: germline.
Comment: Variant summary: NAGLU c.15_20dupGGTGGC (p.Val6_Ala7dup) results in an in-frame duplication that is predicted to duplicate two amino acids into the encoded protein. The variant allele was found at a frequency of 0.00077 in 31166 control chromosomes, predominantly at a frequency of 0.0028 within the African or African-American subpopulation in the gnomAD database. The observed variant frequency within African or African-American control individuals in the gnomAD database is approximately 1.12 fold of the estimated maximal expected allele frequency for a pathogenic variant in NAGLU causing Mucopolysaccharidosis Type IIIB (Sanfilippo Syndrome B) phenotype (0.0025), strongly suggesting that the variant is a benign polymorphism found primarily in populations of African or African-American origin. To our knowledge, no occurrence of c.15_20dupGGTGGC in individuals affected with Mucopolysaccharidosis Type IIIB (Sanfilippo Syndrome B) and no experimental evidence demonstrating its impact on protein function have been reported. Three clinical diagnostic laboratories have submitted clinical-significance assessments for this variant to ClinVar after 2014 without evidence for independent evaluation. One lab classified as likely benign while two classified as VUS. Based on the evidence outlined above, the variant was classified as likely benign.

CeGaT Center for Human Genetics Tuebingen
Classification: Uncertain significance. Last evaluated: 2019-07-01. Review status: criteria provided, single submitter. Criteria: CeGaT Center For Human Genetics Tuebingen Variant Classification Criteria Version 2. Collection method: clinical testing. Allele origin: germline. Affected: yes. Observed: 1 variant allele.

Baylor Genetics
Classification: Uncertain significance for Mucopolysaccharidosis, MPS-III-B. Last evaluated: 2019-03-27. Review status: criteria provided, single submitter. Criteria: ACMG Guidelines, 2015. Collection method: clinical testing. Allele origin: paternal. Affected: yes.
Comment: This variant was determined to be of uncertain significance according to ACMG Guidelines, 2015 [PMID:25741868].

PreventionGenetics, part of Exact Sciences
Classification: Likely benign for NAGLU-related condition. Last evaluated: 2023-01-31. Review status: no assertion criteria provided. Collection method: clinical testing. Allele origin: germline. Not counted in ClinVar's aggregate classification.
Comment: This variant is classified as likely benign based on ACMG/AMP sequence variant interpretation guidelines (Richards et al. 2015 PMID: 25741868, with internal and published modifications).

NM_000263.4(NAGLU):c.9GGTGGC[3] (p.4VA[3])

Genes: NAGLU (N-acetyl-alpha-glucosaminidase; plus strand), LOC130060903 (ATAC-STARR-seq lymphoblastoid silent region 8533; plus strand). Cytogenetic location: 17q21.2.
Variant type: Microsatellite.
Coding change: c.9GGTGGC[3] on transcript NM_000263.4 (MANE Select); three copies in a row of the 6-base unit GGTGGC starting at c.9; the reference has two copies in a row; one copy, 6 bases duplicated; also written c.15_20dup.
Protein change: p.4VA[3].
Molecular consequence: inframe insertion.
Genome position (GRCh38, 1-based): chr17:42,536,287-42,536,292, GGTGGC duplicated; duplicating any 6 consecutive bases within chr17:42,536,278-42,536,292 gives the same sequence; the position shown is the placement nearest the transcript's 3' end. VCF-style (leftmost placement, unchanged base first): chr17-42536277-A-AGGCGGT. GRCh37 (hg19) VCF-style: chr17-40688295-A-AGGCGGT.
Other names: c.15_20dup6 (NM_000263.3); c.15_20dup (NM_000263.3).
Identifiers: ClinVar variation 542459 (VCV000542459.55), dbSNP rs1024697806, ClinGen allele CA290771179.